The following is an entry in ClinVar:

NM_002528.7(NTHL1):c.41G>T (p.Ser14Ile)

Gene: NTHL1 (nth like DNA glycosylase 1; minus strand). Cytogenetic location: 16p13.3.
Variant type: single nucleotide variant.
Coding change: c.41G>T on transcript NM_002528.7 (MANE Select); coding-DNA position 41, G replaced by T.
Protein change: p.Ser14Ile; replaces serine 14 with isoleucine.
Molecular consequence: missense variant. On other transcripts: 5 prime UTR variant (1).
Genome position (GRCh38, 1-based): chr16:2,047,783, C>A on the plus strand (G>T on the coding strand, the complement: NTHL1 is on the minus strand). VCF-style: chr16-2047783-C-A. GRCh37 (hg19) VCF-style: chr16-2097784-C-A.
Other names: c.41G>T, p.Ser14Ile (NM_001318193.2); c.-138G>T (NM_001318194.2); short protein forms S14I.
Identifiers: ClinVar variation 2101282 (VCV002101282.4), dbSNP rs746090969, ClinGen allele CA394298539.

ClinVar aggregate classification (germline): Uncertain significance (1 of 4 stars; one submission).

Submission:

Labcorp Genetics (formerly Invitae), Labcorp
Classification: Uncertain significance. Last evaluated: 2022-02-21. Review status: criteria provided, single submitter. Criteria: Invitae Variant Classification Sherloc (09022015). Collection method: clinical testing. Allele origin: germline.
Comment: In summary, the available evidence is currently insufficient to determine the role of this variant in disease. Therefore, it has been classified as a Variant of Uncertain Significance. Algorithms developed to predict the effect of missense changes on protein structure and function are either unavailable or do not agree on the potential impact of this missense change (SIFT: "Not Available"; PolyPhen-2: "Probably Damaging"; Align-GVGD: "Not Available"). This variant has not been reported in the literature in individuals affected with NTHL1-related conditions. This variant is not present in population databases (gnomAD no frequency). This sequence change replaces serine, which is neutral and polar, with isoleucine, which is neutral and non-polar, at codon 22 of the NTHL1 protein (p.Ser22Ile).